The following is an entry in ClinVar:

NM_015267.4(CUX2):c.3345C>T (p.Asn1115=)

Gene: CUX2 (cut like homeobox 2; plus strand). Cytogenetic location: 12q24.12.
Variant type: single nucleotide variant.
Coding change: c.3345C>T on transcript NM_015267.4 (MANE Select); coding-DNA position 3345, C replaced by T.
Protein change: p.Asn1115=; no amino-acid change (asparagine 1115 retained).
Molecular consequence: synonymous variant.
Genome position (GRCh38, 1-based): chr12:111,338,434, C>T. VCF-style: chr12-111338434-C-T. GRCh37 (hg19) VCF-style: chr12-111776238-C-T.
Other names: c.3159C>T, p.Asn1053= (NM_001370598.1).
Identifiers: ClinVar variation 718257 (VCV000718257.30), dbSNP rs200333006, ClinGen allele CA6789095.

ClinVar aggregate classification (germline): Benign/Likely benign. Review status: criteria provided, multiple submitters, no conflicts (2 of 4 stars). 4 submissions from 4 submitters: Benign (1); Likely benign (3). Last evaluated 2025-06-03.

Conditions:
CUX2-related disorder. Also called: CUX2-related condition.

Allele frequency attached by ClinVar (database versions not stated): 1000 Genomes Project 0.00040; 1000 Genomes Project 30x 0.00062; ESP Exome Variant Server 0.00081; gnomAD 0.00082 and 0.00083; ExAC 0.00084; gnomAD exomes 0.00091; TOPMed 0.00107.

Submissions (4):

PreventionGenetics, part of Exact Sciences
Classification: Likely benign for CUX2-related condition. Last evaluated: 2025-06-03. Review status: criteria provided, single submitter. Criteria: ACMG Guidelines, 2015. Collection method: clinical testing. Allele origin: germline.
Comment: This variant is classified as likely benign based on ACMG/AMP sequence variant interpretation guidelines (Richards et al. 2015 PMID: 25741868, with internal and published modifications).

CeGaT Center for Human Genetics Tuebingen
Classification: Likely benign. Last evaluated: 2025-06-01. Review status: criteria provided, single submitter. Criteria: CeGaT Center For Human Genetics Tuebingen Variant Classification Criteria Version 2. Collection method: clinical testing. Allele origin: germline. Affected: yes. Observed: 6 variant alleles.
Comment: CUX2: BP4, BP7

Blueprint Genetics
Classification: Likely benign. Last evaluated: 2024-11-27. Review status: criteria provided, single submitter. Criteria: ACMG Guidelines, 2015. Collection method: clinical testing. Allele origin: germline.

Labcorp Genetics (formerly Invitae), Labcorp
Classification: Benign. Last evaluated: 2019-12-31. Review status: criteria provided, single submitter. Criteria: Invitae Variant Classification Sherloc (09022015). Collection method: clinical testing. Allele origin: germline.